The following is an entry in ClinVar:

NM_001040108.2(MLH3):c.2098G>T (p.Gly700Cys)

Gene: MLH3 (mutL homolog 3; minus strand). Cytogenetic location: 14q24.3.
Variant type: single nucleotide variant.
Coding change: c.2098G>T on transcript NM_001040108.2 (MANE Select); coding-DNA position 2098, G replaced by T.
Protein change: p.Gly700Cys; replaces glycine 700 with cysteine.
Molecular consequence: missense variant.
Genome position (GRCh38, 1-based): chr14:75,047,558, C>A on the plus strand (G>T on the coding strand, the complement: MLH3 is on the minus strand). VCF-style: chr14-75047558-C-A. GRCh37 (hg19) VCF-style: chr14-75514261-C-A.
Other names: c.2098G>T, p.Gly700Cys (NM_014381.3); short protein forms G700C.
Identifiers: ClinVar variation 643902 (VCV000643902.12), dbSNP rs760523617, ClinGen allele CA390441804.
Genomic context (GRCh38, chr14:75,047,558, plus strand): 5'-ACCAGGGGAAAGAGGGGGATGTATCAGATAATATGCAATCTGTTTGTGATTTTTTGCTAC[C>A]TTCCTGAAAAGCAGAAAACATTGTATAAGTTGCTGTAGGTTCATTCTCTAGCCCATAACT-3'
Protein context (NP_001035197.1, residues 690-710): TYTMFSAFQE[Gly700Cys]SKKSQTDCIL

ClinVar aggregate classification (germline): Uncertain significance. Review status: criteria provided, multiple submitters, no conflicts (2 of 4 stars). 2 submissions from 2 submitters: Uncertain significance (2). Last evaluated 2022-11-19.

Conditions:
Colorectal cancer, hereditary nonpolyposis, type 7. Identifiers: Orphanet 144, MedGen C1858380, MONDO:0013725, OMIM 614385.

gnomAD v4.1: 1 of 1,613,950 alleles (0.000062%); highest among the groups gnomAD compares: Admixed American, 0.0017%; no homozygotes.

Submissions (2):

Ambry Genetics
Classification: Uncertain significance. Last evaluated: 2022-11-19. Review status: criteria provided, single submitter. Criteria: Ambry Variant Classification Scheme 2023. Collection method: clinical testing. Allele origin: germline.
Comment: The p.G700C variant (also known as c.2098G>T), located in coding exon 1 of the MLH3 gene, results from a G to T substitution at nucleotide position 2098. The glycine at codon 700 is replaced by cysteine, an amino acid with highly dissimilar properties. This amino acid position is conserved. In addition, this alteration is predicted to be tolerated by in silico analysis. Since supporting evidence is limited at this time, the clinical significance of this alteration remains unclear.

Labcorp Genetics (formerly Invitae), Labcorp
Classification: Uncertain significance for Colorectal cancer, hereditary nonpolyposis, type 7. Last evaluated: 2022-08-23. Review status: criteria provided, single submitter. Criteria: Invitae Variant Classification Sherloc (09022015). Collection method: clinical testing. Allele origin: germline.
Comment: In summary, the available evidence is currently insufficient to determine the role of this variant in disease. Therefore, it has been classified as a Variant of Uncertain Significance. This sequence change replaces glycine, which is neutral and non-polar, with cysteine, which is neutral and slightly polar, at codon 700 of the MLH3 protein (p.Gly700Cys). This variant is present in population databases (no rsID available, gnomAD 0.003%). This variant has not been reported in the literature in individuals affected with MLH3-related conditions. ClinVar contains an entry for this variant (Variation ID: 643902). Algorithms developed to predict the effect of missense changes on protein structure and function (SIFT, PolyPhen-2, Align-GVGD) all suggest that this variant is likely to be tolerated.